The following is an entry in ClinVar:

NM_025103.4(IFT74):c.1093G>C (p.Glu365Gln)

Gene: IFT74 (intraflagellar transport 74; plus strand). Cytogenetic location: 9p21.2.
Variant type: single nucleotide variant.
Coding change: c.1093G>C on transcript NM_025103.4 (MANE Select); coding-DNA position 1093, G replaced by C.
Protein change: p.Glu365Gln; replaces glutamic acid 365 with glutamine.
Molecular consequence: missense variant.
Genome position (GRCh38, 1-based): chr9:27,044,780, G>C. VCF-style: chr9-27044780-G-C. GRCh37 (hg19) VCF-style: chr9-27044778-G-C.
Other names: c.1093G>C, p.Glu365Gln (NM_001099222.3, NM_001099223.3, NM_001349928.2); short protein forms E365Q.
Identifiers: ClinVar variation 4979483 (VCV004979483.1).
Genomic context (GRCh38, chr9:27,044,780, plus strand): 5'-TTGTATTTTATATCTCTCATAGGTGAAATGAACCAGAAATACAAGGAGCTAAAGAAAAGG[G>C]AGGAACATATGGACAGTAAGTGATATTCTTGTAGATATAAAAATATAATATTTTCAGATT-3'
Protein context (NP_079379.2, residues 355-375): NQKYKELKKR[Glu365Gln]EHMDTFIETF

ClinVar aggregate classification (germline): Uncertain significance (1 of 4 stars; one submission).

Conditions:
IFT74-related disorder. Also called: IFT74-Related Disorders; IFT74-related condition.

Submission:

PreventionGenetics, part of Exact Sciences
Classification: Uncertain significance for IFT74-related condition. Last evaluated: 2026-08-18. Review status: criteria provided, single submitter. Criteria: ACMG Guidelines, 2015. Collection method: clinical testing. Allele origin: germline.
Comment: The IFT74 c.1093G>C variant is predicted to result in the amino acid substitution p.Glu365Gln. To our knowledge, this variant has not been reported in the literature. This variant is reported in 0.0066% of alleles in individuals of African descent in gnomAD. At this time, the clinical significance of this variant is uncertain due to the absence of conclusive functional and genetic evidence.